The following is an entry in ClinVar:

NM_004655.4(AXIN2):c.1570G>C (p.Val524Leu)

Gene: AXIN2 (axin 2; minus strand). Cytogenetic location: 17q24.1.
Variant type: single nucleotide variant.
Coding change: c.1570G>C on transcript NM_004655.4 (MANE Select); coding-DNA position 1570, G replaced by C.
Protein change: p.Val524Leu; replaces valine 524 with leucine.
Molecular consequence: missense variant.
Genome position (GRCh38, 1-based): chr17:65,537,466, C>G on the plus strand (G>C on the coding strand, the complement: AXIN2 is on the minus strand). VCF-style: chr17-65537466-C-G. GRCh37 (hg19) VCF-style: chr17-63533584-C-G.
Other names: c.1570G>C, p.Val524Leu (NM_001363813.1); short protein forms V524L.
Identifiers: ClinVar variation 1775506 (VCV001775506.2), dbSNP rs2040852683, ClinGen allele CA400677239.

ClinVar aggregate classification (germline): Uncertain significance (1 of 4 stars; one submission).

Conditions:
Hereditary cancer-predisposing syndrome. Also called: Neoplastic Syndromes, Hereditary; Tumor predisposition; Hereditary Cancer Syndrome; Hereditary neoplastic syndrome. Identifiers: Orphanet 140162, MedGen C0027672, MeSH D009386, MONDO:0015356.

Allele frequency attached by ClinVar (database versions not stated): TOPMed below 0.00001.

Submission:

Ambry Genetics
Classification: Uncertain significance for Hereditary cancer-predisposing syndrome. Last evaluated: 2020-04-03. Review status: criteria provided, single submitter. Criteria: Ambry Variant Classification Scheme 2023. Collection method: clinical testing. Allele origin: germline.
Comment: The p.V524L variant (also known as c.1570G>C), located in coding exon 5 of the AXIN2 gene, results from a G to C substitution at nucleotide position 1570. The valine at codon 524 is replaced by leucine, an amino acid with highly similar properties. This amino acid position is poorly conserved in available vertebrate species. In addition, this alteration is predicted to be tolerated by in silico analysis. Since supporting evidence is limited at this time, the clinical significance of this alteration remains unclear.